The following is an entry in ClinVar:

ClinVar aggregate classification (germline): Pathogenic. Review status: criteria provided, multiple submitters, no conflicts (2 of 4 stars). 2 submissions from 2 submitters: Pathogenic (2). Last evaluated 2026-09-08.

Conditions:
Fabry disease. Also called: GLA DEFICIENCY; HEREDITARY DYSTOPIC LIPIDOSIS; Fabry's disease; Angiokeratoma corporis diffusum; Ceramide trihexosidosis; ALPHA-GALACTOSIDASE A DEFICIENCY. Identifiers: Orphanet 324, MedGen C0002986, MONDO:0010526, OMIM 301500, HP:0001071. Disease mechanism: loss of function, Fabry disease is due to inactivating mutations in the X-linked GLA gene resulting in deficiency of the enzyme Alpha Galactosidase-A..

Submissions (2):

Genomenon, Inc
Classification: Pathogenic for Fabry disease. Last evaluated: 2026-09-08. Review status: criteria provided, single submitter. Criteria: Genomenon Sequence Variant Interpretation Standards - Updated. Collection method: curation. Allele origin: germline. Affected: yes.
Comment: GLA p.Glu341Lys (c.1021G>A) is a missense variant that changes the amino acid at codon 341 from Glutamic acid to Lysine. This variant has been observed in at least one proband with clinical features consistent with Fabry disease (PMID:30159316;27265676;38002959;18424138;10090526;37940383;32583479;39609713;40760696). The variant was found to segregate with disease in at least one affected family (PMID:10090526;38002959). At least one functional study has demonstrated a substantial alteration in protein function relative to the wild-type (PMID:32023956;27657681;23935525). It is absent or not present at a significant frequency in gnomAD. In silico models predict that this variant is possibly or probably damaging. In conclusion, we classify GLA p.Glu341Lys (c.1021G>A) as a pathogenic variant.

Women's Health and Genetics/Laboratory Corporation of America, LabCorp
Classification: Pathogenic for Fabry disease. Last evaluated: 2018-08-21. Review status: criteria provided, single submitter. Criteria: LabCorp Variant Classification Summary - May 2015. Collection method: clinical testing. Allele origin: germline.
Comment: Variant summary: GLA c.1021G>A (p.Glu341Lys) results in a conservative amino acid change located in the Alpha galactosidase A, C-terminal beta-sandwich domain of the encoded protein sequence. Three of five in-silico tools predict a damaging effect of the variant on protein function. Other variants at this codon have been reported in the litertature in association with Fabry Disease (E341G, E341D). The variant was absent in 178226 control chromosomes. c.1021G>A has been reported in the literature in multiple individuals affected with Fabry Disease, inlcuding a large family with segregation data (Beyer_1999). These data indicate that the variant is very likely to be associated with disease. In vitro alpha-Gal activity was reported as 0% of WT (Lukas_2013). No clinical diagnostic laboratories have submitted clinical-significance assessments for this variant to ClinVar after 2014. Based on the evidence outlined above, the variant was classified as pathogenic.

Literature cited by the submitters: PubMed 30159316 (cited by Genomenon, Inc); PubMed 27265676 (cited by Genomenon, Inc); PubMed 38002959 (cited by Genomenon, Inc); PubMed 18424138 (cited by Genomenon, Inc); PubMed 10090526 (cited by Genomenon, Inc and Women's Health and Genetics/Laboratory Corporation of America, LabCorp); PubMed 37940383 (cited by Genomenon, Inc); PubMed 32583479 (cited by Genomenon, Inc); PubMed 39609713 (cited by Genomenon, Inc); PubMed 40760696 (cited by Genomenon, Inc); PubMed 32023956 (cited by Genomenon, Inc); PubMed 27657681 (cited by Genomenon, Inc); PubMed 23935525 (cited by Genomenon, Inc and Women's Health and Genetics/Laboratory Corporation of America, LabCorp).

NM_000169.3(GLA):c.1021G>A (p.Glu341Lys)

Genes: GLA (galactosidase alpha; minus strand), RPL36A-HNRNPH2 (RPL36A-HNRNPH2 readthrough; plus strand). Cytogenetic location: Xq22.1.
Variant type: single nucleotide variant.
Coding change: c.1021G>A on transcript NM_000169.3 (MANE Select); coding-DNA position 1021, G replaced by A.
Protein change: p.Glu341Lys; replaces glutamic acid 341 with lysine.
Molecular consequence: missense variant. On other transcripts: non-coding transcript variant (3), intron variant (2).
Genome position (GRCh38, 1-based): chrX:101,398,078, C>T on the plus strand (G>A on the coding strand, the complement: GLA is on the minus strand). VCF-style: chrX-101398078-C-T. GRCh37 (hg19) VCF-style: chrX-100653066-C-T.
Other names: c.1144G>A, p.Glu382Lys (NM_001406747.1); c.300+2621C>T (NM_001199973.2); c.177+6256C>T (NM_001199974.2); short protein forms E341K, E382K.
Identifiers: ClinVar variation 222125 (VCV000222125.3), dbSNP rs869312214, ClinGen allele CA352962.
Genomic context (GRCh38, chrX:101,398,078, plus strand): 5'-CACCAATCTCCTGCCGGTTTATCATAGCTACAGCCCAGGCTAAGCCTGAGAGAGGTCGTT[C>T]CCACACTTCAAAGTTGTCTCCCTGAAAAACCAAGAAAGTGTGGTTGCTTAGCAACTAGTG-3'
Protein context (NP_000160.1, residues 331-351): LRQGDNFEVW[Glu341Lys]RPLSGLAWAV